The following is an entry in ClinVar:

ClinVar aggregate classification (germline): Uncertain significance (1 of 4 stars; one submission).

Submission:

GeneDx
Classification: Uncertain significance. Last evaluated: 2022-01-17. Review status: criteria provided, single submitter. Criteria: GeneDx Variant Classification Process June 2021. Collection method: clinical testing. Allele origin: germline. Affected: yes.
Comment: Not observed at significant frequency in large population cohorts (gnomAD); In silico analysis supports that this missense variant does not alter protein structure/function; Has not been previously published as pathogenic or benign to our knowledge

NM_004595.5(SMS):c.136G>A (p.Gly46Ser)

Gene: SMS (spermine synthase; plus strand). Cytogenetic location: Xp22.11.
Variant type: single nucleotide variant.
Coding change: c.136G>A on transcript NM_004595.5 (MANE Select); coding-DNA position 136, G replaced by A.
Protein change: p.Gly46Ser; replaces glycine 46 with serine.
Molecular consequence: missense variant.
Genome position (GRCh38, 1-based): chrX:21,967,282, G>A. VCF-style: chrX-21967282-G-A. GRCh37 (hg19) VCF-style: chrX-21985400-G-A.
Other names: c.136G>A, p.Gly46Ser (NM_001258423.2); short protein forms G46S.
Identifiers: ClinVar variation 1696980 (VCV001696980.2), dbSNP rs2147508097, ClinGen allele CA412564097.